The following is an entry in ClinVar:

NM_015158.5(KANK1):c.3553+5G>A

Genes: KANK1 (KN motif and ankyrin repeat domains 1; plus strand), LOC126860554 (MED14-independent group 3 enhancer GRCh37_chr9:737889-739088; plus strand). Cytogenetic location: 9p24.3.
Variant type: single nucleotide variant.
Coding change: c.3553+5G>A on transcript NM_015158.5 (MANE Select); 5 bases into the intron after coding-DNA position 3553, G replaced by A.
Molecular consequence: intron variant.
Genome position (GRCh38, 1-based): chr9:738,509, G>A. VCF-style: chr9-738509-G-A. GRCh37 (hg19) VCF-style: chr9-738509-G-A.
Other names: c.3553+5G>A (NM_001256876.3, NM_001354334.2, NM_001256877.3); c.3079+5G>A (NM_001354333.2, NM_001354335.2, NM_001354337.2 and 2 more transcripts); c.3313+5G>A (NM_001354331.2); c.3499+5G>A (NM_001354332.2); c.2785+5G>A (NM_001354336.2); c.2839+5G>A (NM_001354339.2, NM_001354343.2, NM_001354342.2); c.3025+5G>A (NM_001354338.2, NM_001354340.2, NM_001354344.2).
Identifiers: ClinVar variation 768274 (VCV000768274.36), dbSNP rs114914725, ClinGen allele CA4960998.

ClinVar aggregate classification (germline): Benign. Review status: criteria provided, multiple submitters, no conflicts (2 of 4 stars). 4 submissions from 4 submitters: Benign (2). 2 of the submissions do not count toward it. Last evaluated 2026-01-14.

Allele frequency attached by ClinVar (database versions not stated): gnomAD exomes 0.00063 and 0.00115; ExAC 0.00142; 1000 Genomes Project 0.00419; 1000 Genomes Project 30x 0.00422; gnomAD 0.00465 and 0.00501; ESP Exome Variant Server 0.00500; TOPMed 0.00553.
gnomAD v4.1: 1,686 of 1,610,444 alleles (0.1%); highest among the groups gnomAD compares: African/African-American, 1.4%; 7 homozygotes.

Submissions (11):

Labcorp Genetics (formerly Invitae), Labcorp
Classification: Benign. Last evaluated: 2026-01-14. Review status: criteria provided, single submitter. Criteria: Invitae Variant Classification Sherloc (09022015). Collection method: clinical testing. Allele origin: germline.

CeGaT Center for Human Genetics Tuebingen
Classification: Benign. Last evaluated: 2023-02-01. Review status: criteria provided, single submitter. Criteria: CeGaT Center For Human Genetics Tuebingen Variant Classification Criteria Version 2. Collection method: clinical testing. Allele origin: germline. Affected: yes. Observed: 1 variant allele.
Comment: KANK1: BP4, BS1, BS2

Dr. Peter K. Rogan Lab, Western University
No classification provided (evidence only). Condition: Lung cancer. Review status: no classification provided. Collection method: in vitro. Allele origin: not applicable. Functional consequence: skipped exon, retained intron. Not counted in ClinVar's aggregate classification.

Dr. Peter K. Rogan Lab, Western University
No classification provided (evidence only). Condition: Acute myeloid leukemia. Review status: no classification provided. Collection method: in vitro. Allele origin: not applicable. Functional consequence: skipped exon, retained intron. Not counted in ClinVar's aggregate classification.

Dr. Peter K. Rogan Lab, Western University
No classification provided (evidence only). Condition: Colon adenocarcinoma. Review status: no classification provided. Collection method: in vitro. Allele origin: not applicable. Functional consequence: retained intron. Not counted in ClinVar's aggregate classification.

Dr. Peter K. Rogan Lab, Western University
No classification provided (evidence only). Condition: Colon adenocarcinoma. Review status: no classification provided. Collection method: in vitro. Allele origin: not applicable. Functional consequence: skipped exon. Not counted in ClinVar's aggregate classification.

Dr. Peter K. Rogan Lab, Western University
No classification provided (evidence only). Condition: Uterine corpus endometrial carcinoma. Review status: no classification provided. Collection method: in vitro. Allele origin: not applicable. Functional consequence: retained intron. Not counted in ClinVar's aggregate classification.

Dr. Peter K. Rogan Lab, Western University
No classification provided (evidence only). Condition: Uterine corpus endometrial carcinoma. Review status: no classification provided. Collection method: in vitro. Allele origin: not applicable. Functional consequence: skipped exon, retained intron. Not counted in ClinVar's aggregate classification.

Dr. Peter K. Rogan Lab, Western University
No classification provided (evidence only). Condition: Gastric cancer. Review status: no classification provided. Collection method: in vitro. Allele origin: not applicable. Functional consequence: retained intron. Not counted in ClinVar's aggregate classification.

Genome Diagnostics Laboratory, University Medical Center Utrecht
Classification: Likely benign. Review status: no assertion criteria provided. Collection method: clinical testing. Allele origin: germline. Affected: yes. Study: VKGL Data-share Consensus. Not counted in ClinVar's aggregate classification.

Laboratory of Diagnostic Genome Analysis, Leiden University Medical Center (LUMC)
Classification: Likely benign. Review status: no assertion criteria provided. Collection method: clinical testing. Allele origin: germline. Affected: yes. Study: VKGL Data-share Consensus. Not counted in ClinVar's aggregate classification.